The following is an entry in ClinVar:

NM_032242.4(PLXNA1):c.4519T>C (p.Cys1507Arg)

Gene: PLXNA1 (plexin A1; plus strand). Cytogenetic location: 3q21.3.
Variant type: single nucleotide variant.
Coding change: c.4519T>C on transcript NM_032242.4 (MANE Select); coding-DNA position 4519, T replaced by C.
Protein change: p.Cys1507Arg; replaces cysteine 1507 with arginine.
Molecular consequence: missense variant.
Genome position (GRCh38, 1-based): chr3:127,028,190, T>C. VCF-style: chr3-127028190-T-C. GRCh37 (hg19) VCF-style: chr3-126747033-T-C.
Other names: short protein forms C1507R.
Identifiers: ClinVar variation 4569738 (VCV004569738.2).
Genomic context (GRCh38, chr3:127,028,190, plus strand): 5'-ACCCCCCAGTTGTGGGGCTGACGCTGCCCCCTTGCTCCACCCCGCCCGCAGACCCTGAAC[T>C]GTGTGAACCCTGAGAATGAGAATGCACCTGAGGTGCCGGTGAAGGGGCTGGACTGTGACA-3'
Protein context (NP_115618.3, residues 1497-1517): QIDYKTLTLN[Cys1507Arg]VNPENENAPE

ClinVar aggregate classification (germline): Uncertain significance. Review status: criteria provided, multiple submitters, no conflicts (2 of 4 stars). 2 submissions from 2 submitters: Uncertain significance (2). Last evaluated 2025-10-29.

Conditions:
PLXNA1-related disorder. Also called: PLXNA1-related condition.

gnomAD v4.1: 2 of 1,613,190 alleles (0.00012%); highest among the groups gnomAD compares: Non-Finnish European, 0.00017%; no homozygotes.

Submissions (2):

Ambry Genetics
Classification: Uncertain significance. Last evaluated: 2025-10-29. Review status: criteria provided, single submitter. Criteria: Ambry Variant Classification Scheme 2023. Collection method: clinical testing. Allele origin: germline.

PreventionGenetics, part of Exact Sciences
Classification: Uncertain significance for PLXNA1-related condition. Last evaluated: 2025-09-16. Review status: criteria provided, single submitter. Criteria: ACMG Guidelines, 2015. Collection method: clinical testing. Allele origin: germline.
Comment: The PLXNA1 c.4519T>C variant is predicted to result in the amino acid substitution p.Cys1507Arg. To our knowledge, this variant has not been reported in the literature or in a large population database (gnomAD), indicating this variant is rare. At this time, the clinical significance of this variant is uncertain due to the absence of conclusive functional and genetic evidence.